The following is an entry in ClinVar:

NM_183075.3(CYP2U1):c.654_661del (p.Cys219fs)

Gene: CYP2U1 (cytochrome P450 family 2 subfamily U member 1; plus strand). Cytogenetic location: 4q25.
Variant type: Deletion.
Coding change: c.654_661del on transcript NM_183075.3 (MANE Select); coding-DNA positions 654 to 661, 8 bases deleted (CTGCCCTT; older notation c.654_661delCTGCCCTT).
Protein change: p.Cys219fs; shifts the reading frame from cysteine 219.
Molecular consequence: frameshift variant.
Genome position (GRCh38, 1-based): chr4:107,945,133-107,945,140, CTGCCCTT deleted; deleting any 8 consecutive bases within chr4:107,945,128-107,945,140 gives the same sequence; the c. name uses the placement nearest the transcript's 3' end. VCF-style (leftmost placement, unchanged base first): chr4-107945127-CCCCTTCTG-C. GRCh37 (hg19) VCF-style: chr4-108866283-CCCCTTCTG-C.
Other names: short protein forms C219fs.
Identifiers: ClinVar variation 2844974 (VCV002844974.3), dbSNP rs2477022028, ClinGen allele CA2739270226.
Genomic context (GRCh38, chr4:107,945,127, plus strand): 5'-GCCCAAGATTATTGAGGAGTTCAAATATGTGAAAGCAGAAATGCAAAAGCACGGAGAAGA[CCCCTTCTG>C]CCCTTTCTCCATCATCAGCAATGCCGTCTCTAACATCATTTGCTCCTTGTGCTTTGGCCA-3'

ClinVar aggregate classification (germline): Pathogenic (1 of 4 stars; one submission).

Conditions:
Spastic paraplegia. Identifiers: MedGen C0037772, HP:0001258.

Submission:

Labcorp Genetics (formerly Invitae), Labcorp
Classification: Pathogenic for Spastic paraplegia. Last evaluated: 2023-04-24. Review status: criteria provided, single submitter. Criteria: Invitae Variant Classification Sherloc (09022015). Collection method: clinical testing. Allele origin: germline.
Comment: This variant is not present in population databases (gnomAD no frequency). For these reasons, this variant has been classified as Pathogenic. This premature translational stop signal has been observed in individual(s) with clinical features consistent with hereditary spastic paraplegia (Invitae). This sequence change creates a premature translational stop signal (p.Cys219Leufs*9) in the CYP2U1 gene. It is expected to result in an absent or disrupted protein product. Loss-of-function variants in CYP2U1 are known to be pathogenic (PMID: 23176821, 26936192, 27292318).

Literature cited by the submitters: PubMed 23176821; PubMed 26936192; PubMed 27292318.